The following is an entry in ClinVar:

ClinVar aggregate classification (germline): Uncertain significance (1 of 4 stars; one submission).

Conditions:
Gorlin syndrome. Also called: Basal cell nevus syndrome; Nevoid Basal Cell Carcinoma Syndrome. Identifiers: Orphanet 377, MedGen C0004779, MONDO:0007187.

Submission:

Labcorp Genetics (formerly Invitae), Labcorp
Classification: Uncertain significance for Gorlin syndrome. Last evaluated: 2020-06-28. Review status: criteria provided, single submitter. Criteria: Invitae Variant Classification Sherloc (09022015). Collection method: clinical testing. Allele origin: germline.
Comment: In summary, the available evidence is currently insufficient to determine the role of this variant in disease. Therefore, it has been classified as a Variant of Uncertain Significance. Algorithms developed to predict the effect of missense changes on protein structure and function (SIFT, PolyPhen-2, Align-GVGD) all suggest that this variant is likely to be tolerated, but these predictions have not been confirmed by published functional studies and their clinical significance is uncertain. This variant has not been reported in the literature in individuals with PTCH1-related conditions. This variant is not present in population databases (ExAC no frequency). This sequence change replaces arginine with leucine at codon 40 of the PTCH1 protein (p.Arg40Leu). The arginine residue is weakly conserved and there is a moderate physicochemical difference between arginine and leucine.

NM_000264.5(PTCH1):c.119G>T (p.Arg40Leu)

Genes: PTCH1 (patched 1; minus strand), LOC130002133 (ATAC-STARR-seq lymphoblastoid silent region 20071; plus strand). Cytogenetic location: 9q22.32.
Variant type: single nucleotide variant.
Coding change: c.119G>T on transcript NM_000264.5 (MANE Select); coding-DNA position 119, G replaced by T.
Protein change: p.Arg40Leu; replaces arginine 40 with leucine.
Molecular consequence: missense variant. On other transcripts: non-coding transcript variant (1), intron variant (3).
Genome position (GRCh38, 1-based): chr9:95,508,243, C>A on the plus strand (G>T on the coding strand, the complement: PTCH1 is on the minus strand). VCF-style: chr9-95508243-C-A. GRCh37 (hg19) VCF-style: chr9-98270525-C-A.
Other names: c.119G>T, p.Arg40Leu (NM_001354918.2); c.199-1644G>T (NM_001083603.3); c.4-1644G>T (NM_001083602.3, NM_001354919.2); short protein forms R40L.
Identifiers: ClinVar variation 998488 (VCV000998488.9), dbSNP rs755400723, ClinGen allele CA374121399.
Genomic context (GRCh38, chr9:95,508,243, plus strand): 5'-AAGGCGGCGTCGCAGTAGCTGGGCCGGTGCAGATAGTCCCGGTCCGGCGCGGCAGCACGG[C>A]GCAGCCCCCCCGTCCGTCTGCGCCTCCCGCCTCCAGCCGGCCGTCCCGGGGCACCGATAC-3'
Protein context (NP_000255.2, residues 30-50): GGRRRRTGGL[Arg40Leu]RAAAPDRDYL